The following is an entry in ClinVar:

NM_000404.4(GLB1):c.1456_1466dup (p.Ile489fs)

Gene: GLB1 (galactosidase beta 1; minus strand). Cytogenetic location: 3p22.3.
Variant type: Duplication.
Coding change: c.1456_1466dup on transcript NM_000404.4 (MANE Select); coding-DNA positions 1456 to 1466, 11 bases duplicated (GGTGCATATAT).
Protein change: p.Ile489fs; shifts the reading frame from isoleucine 489.
Molecular consequence: frameshift variant.
Genome position (GRCh38, 1-based): chr3:33,016,722-33,016,732, ATATATGCACC duplicated on the plus strand (GGTGCATATAT on the coding strand, the reverse complement: GLB1 is on the minus strand); duplicating any 11 consecutive bases within chr3:33,016,722-33,016,735 gives the same sequence; the c. name uses the placement nearest the transcript's 3' end. VCF-style (leftmost placement, unchanged base first): chr3-33016721-G-GATATATGCACC. GRCh37 (hg19) VCF-style: chr3-33058213-G-GATATATGCACC.
Other names: c.1366_1376dup, p.Ile459fs (NM_001079811.3); c.1063_1073dup, p.Ile358fs (NM_001135602.3); c.1600_1610dup, p.Ile537fs (NM_001317040.2); c.1456_1466dup, p.Ile489fs (NM_001393580.1); c.1456_1466dup11 (NM_000404.2); short protein forms I459fs, I489fs, I358fs, I537fs.
Identifiers: ClinVar variation 92898 (VCV000092898.12), dbSNP rs398123349, ClinGen allele CA201122.

ClinVar aggregate classification (germline): Pathogenic/Likely pathogenic. Review status: criteria provided, multiple submitters, no conflicts (2 of 4 stars). 4 submissions from 4 submitters: Pathogenic (2); Likely pathogenic (1). 1 of the submissions does not count toward it. Last evaluated 2025-11-25.

Conditions:
GM1 gangliosidosis type 3. Also called: GANGLIOSIDOSIS, GENERALIZED GM1, ADULT TYPE; GANGLIOSIDOSIS, GENERALIZED GM1, CHRONIC TYPE; GANGLIOSIDOSIS, GENERALIZED GM1, TYPE III; Beta-galactosidase deficiency; Adult GM1 gangliosidosis; Type 3 (adult) GM1 gangliosidosis. Identifiers: Orphanet 79257, MedGen C0268273, MONDO:0009262, OMIM 230650.
Mucopolysaccharidosis, MPS-IV-B (MPS4B). Also called: Mucopolysaccharidosis Type IVB (Morquio B Disease); Mucopolysaccharidosis type 4B; Mucopolysaccharidosis type IVB (Morquio); MPS IVB; Mucopolysaccharidosis type IV B; MORQUIO SYNDROME B. Identifiers: Orphanet 309310, Orphanet 582, MedGen C0086652, MONDO:0009660, OMIM 253010.
GM1 gangliosidosis type 2. Also called: GANGLIOSIDOSIS, GENERALIZED GM1, JUVENILE TYPE; GANGLIOSIDOSIS, GENERALIZED GM1, TYPE II; Juvenile GM>1< gangliosidosis; Gangliosidosis, Generalized GM1, Type 2; GM1-GANGLIOSIDOSIS, TYPE II. Identifiers: Orphanet 354, Orphanet 79256, MedGen C0268272, MONDO:0009261, OMIM 230600.
Infantile GM1 gangliosidosis. Also called: GM1-gangliosidosis, type I; Gangliosidosis, generalized GM1, infantile form; GLB1 deficiency; GM1 gangliosidosis type 1; Gangliosidosis, Generalized GM1, Type 1. Identifiers: Orphanet 354, Orphanet 79255, MedGen C0268271, MONDO:0009260, OMIM 230500.
GM1 gangliosidosis. Identifiers: Orphanet 354, MedGen C0085131, MONDO:0018149.

Submissions (4):

Labcorp Genetics (formerly Invitae), Labcorp
Classification: Pathogenic for Mucopolysaccharidosis, MPS-IV-B; GM1 gangliosidosis. Last evaluated: 2025-11-25. Review status: criteria provided, single submitter. Criteria: Invitae Variant Classification Sherloc (09022015). Collection method: clinical testing. Allele origin: germline.
Comment: This sequence change creates a premature translational stop signal (p.Ile489Metfs*15) in the GLB1 gene. It is expected to result in an absent or disrupted protein product. Loss-of-function variants in GLB1 are known to be pathogenic (PMID: 18524657). This variant is not present in population databases (gnomAD no frequency). This variant has not been reported in the literature in individuals affected with GLB1-related conditions. ClinVar contains an entry for this variant (Variation ID: 92898). For these reasons, this variant has been classified as Pathogenic.

Fulgent Genetics
Classification: Likely pathogenic for Infantile GM1 gangliosidosis; GM1 gangliosidosis type 2; GM1 gangliosidosis type 3; Mucopolysaccharidosis, MPS-IV-B. Last evaluated: 2021-08-23. Review status: criteria provided, single submitter. Criteria: ACMG Guidelines, 2015. Collection method: clinical testing. Allele origin: unknown.

Eurofins Ntd Llc (ga)
Classification: Pathogenic. Last evaluated: 2012-10-18. Review status: criteria provided, single submitter. Criteria: EGL Classification Definitions. Collection method: clinical testing. Allele origin: germline. Observed: 3 variant alleles, 3 heterozygotes.

Counsyl
Classification: Likely pathogenic for Infantile GM1 gangliosidosis; GM1 gangliosidosis type 2; GM1 gangliosidosis type 3; Mucopolysaccharidosis, MPS-IV-B. Last evaluated: 2017-07-07. Review status: no assertion criteria provided. Collection method: clinical testing. Allele origin: unknown. Not counted in ClinVar's aggregate classification.

Literature cited by the submitters: PubMed 18524657 (cited by Labcorp Genetics (formerly Invitae), Labcorp); PubMed 23757202 (cited by Eurofins Ntd Llc (ga)).